The following is an entry in ClinVar:

ClinVar aggregate classification (germline): Benign/Likely benign. Review status: criteria provided, multiple submitters, no conflicts (2 of 4 stars). 3 submissions from 3 submitters: Benign (2); Likely benign (1). Last evaluated 2026-02-03.

Conditions:
Hereditary spastic paraplegia 7 (SPG7). Also called: Spastic paraplegia 7; Hereditary spastic paraplegia Paraplegin type; SPASTIC PARAPLEGIA 7, AUTOSOMAL RECESSIVE, WITH OR WITHOUT CEREBELLAR ATAXIA; SPG7-related neurologic disorder; Autosomal recessive spastic paraplegia type 7. Identifiers: Orphanet 99013, MedGen C1846564, MONDO:0011803, OMIM 607259.

Allele frequency attached by ClinVar (database versions not stated): ExAC 0.00330; TOPMed 0.00690; gnomAD exomes 0.00055 and 0.00154; gnomAD 0.00587 and 0.00628; 1000 Genomes Project 30x 0.00593; 1000 Genomes Project 0.00639; ESP Exome Variant Server 0.00778.
gnomAD v4.1: 1,712 of 1,590,904 alleles (0.11%); highest among the groups gnomAD compares: African/African-American, 2.1%; 19 homozygotes.

Submissions (3):

Labcorp Genetics (formerly Invitae), Labcorp
Classification: Benign for Hereditary spastic paraplegia 7. Last evaluated: 2026-02-03. Review status: criteria provided, single submitter. Criteria: Invitae Variant Classification Sherloc (09022015). Collection method: clinical testing. Allele origin: germline.

Illumina Laboratory Services, Illumina
Classification: Likely benign for Hereditary spastic paraplegia 7. Last evaluated: 2018-01-13. Review status: criteria provided, single submitter. Criteria: ICSL Variant Classification Criteria 13 December 2019. Collection method: clinical testing. Allele origin: germline.
Comment: This variant was observed in the ICSL laboratory as part of a predisposition screen in an ostensibly healthy population. It had not been previously curated by ICSL or reported in the Human Gene Mutation Database (HGMD: prior to June 1st, 2018), and was therefore a candidate for classification through an automated scoring system. Utilizing variant allele frequency, disease prevalence and penetrance estimates, and inheritance mode, an automated score was calculated to assess if this variant is too frequent to cause the disease. Based on the score and internal cut-off values, a variant classified as likely benign is not then subjected to further curation. The score for this variant resulted in a classification of likely benign for this disease.

GeneDx
Classification: Benign. Last evaluated: 2014-04-25. Review status: criteria provided, single submitter. Criteria: GeneDx Variant Classification (06012015). Collection method: clinical testing. Allele origin: germline. Affected: yes.
Comment: This variant is considered likely benign or benign based on one or more of the following criteria: it is a conservative change, it occurs at a poorly conserved position in the protein, it is predicted to be benign by multiple in silico algorithms, and/or has population frequency not consistent with disease.

NM_003119.4(SPG7):c.1936+12C>T

Gene: SPG7 (SPG7 matrix AAA peptidase subunit, paraplegin; plus strand). Cytogenetic location: 16q24.3.
Variant type: single nucleotide variant.
Coding change: c.1936+12C>T on transcript NM_003119.4 (MANE Select); 12 bases into the intron after coding-DNA position 1936, C replaced by T.
Molecular consequence: intron variant.
Genome position (GRCh38, 1-based): chr16:89,553,147, C>T. VCF-style: chr16-89553147-C-T. GRCh37 (hg19) VCF-style: chr16-89619555-C-T.
Other names: c.1936+12C>T (NM_001363850.1).
Identifiers: ClinVar variation 139246 (VCV000139246.13), dbSNP rs112379588, ClinGen allele CA293672.